The following is an entry in ClinVar:

ClinVar aggregate classification (germline): Uncertain significance (1 of 4 stars; one submission).

Conditions:
Nephronophthisis. Also called: Juvenile Nephronophthisis. Identifiers: Orphanet 655, MedGen C0687120, MONDO:0019005, HP:0000090.

Allele frequency attached by ClinVar (database versions not stated): ExAC 0.00001; gnomAD exomes 0.00001.
gnomAD v4.1: 7 of 1,599,108 alleles (0.00044%); highest among the groups gnomAD compares: Middle Eastern, 0.017%; no homozygotes.

Submission:

Labcorp Genetics (formerly Invitae), Labcorp
Classification: Uncertain significance for Nephronophthisis. Last evaluated: 2024-12-09. Review status: criteria provided, single submitter. Criteria: Invitae Variant Classification Sherloc (09022015). Collection method: clinical testing. Allele origin: germline.
Comment: This sequence change replaces histidine, which is basic and polar, with tyrosine, which is neutral and polar, at codon 337 of the NPHP3 protein (p.His337Tyr). This variant is present in population databases (rs769409934, gnomAD 0.003%). This variant has not been reported in the literature in individuals affected with NPHP3-related conditions. ClinVar contains an entry for this variant (Variation ID: 1437891). Invitae Evidence Modeling of protein sequence and biophysical properties (such as structural, functional, and spatial information, amino acid conservation, physicochemical variation, residue mobility, and thermodynamic stability) indicates that this missense variant is expected to disrupt NPHP3 protein function with a positive predictive value of 80%. In summary, the available evidence is currently insufficient to determine the role of this variant in disease. Therefore, it has been classified as a Variant of Uncertain Significance.

NM_153240.5(NPHP3):c.1009C>T (p.His337Tyr)

Genes: NPHP3 (nephrocystin 3; minus strand), NPHP3-ACAD11 (NPHP3-ACAD11 readthrough (NMD candidate); minus strand). Cytogenetic location: 3q22.1.
Variant type: single nucleotide variant.
Coding change: c.1009C>T on transcript NM_153240.5 (MANE Select); coding-DNA position 1009, C replaced by T.
Protein change: p.His337Tyr; replaces histidine 337 with tyrosine.
Molecular consequence: missense variant. On other transcripts: non-coding transcript variant (1).
Genome position (GRCh38, 1-based): chr3:132,713,235, G>A on the plus strand (C>T on the coding strand, the complement: NPHP3 is on the minus strand). VCF-style: chr3-132713235-G-A. GRCh37 (hg19) VCF-style: chr3-132432079-G-A.
Other names: short protein forms H337Y.
Identifiers: ClinVar variation 1437891 (VCV001437891.8), dbSNP rs769409934, ClinGen allele CA2622436.
Genomic context (GRCh38, chr3:132,713,235, plus strand): 5'-TTTCCCATTTTCTTACAGTGAGGTATTGATTTTCAACATCTATTGGAAAATAAACAGCAT[G>A]GAAAAAATATCCCATTGTCTCGCACATTCTCTTAAGTTTAGGTGAATAGTCCTAAAAACA-3'
Protein context (NP_694972.3, residues 327-347): RMCETMGYFF[His337Tyr]AVYFPIDVEN